The following is an entry in ClinVar:

ClinVar aggregate classification (germline): Uncertain significance. Review status: criteria provided, multiple submitters, no conflicts (2 of 4 stars). 2 submissions from 2 submitters: Uncertain significance (2). Last evaluated 2026-02-04.

Conditions:
Cystic fibrosis (CF). Also called: MUCOVISCIDOSIS. Identifiers: Orphanet 586, MedGen C0010674, MONDO:0009061, OMIM 219700. Disease mechanism: loss of function.

Allele frequency attached by ClinVar (database versions not stated): gnomAD 0.00001; gnomAD exomes 0.00002; TOPMed below 0.00001.
gnomAD v4.1: 27 of 1,612,500 alleles (0.0017%); highest among the groups gnomAD compares: Non-Finnish European, 0.0022%; no homozygotes.

Submissions (2):

Women's Health and Genetics/Laboratory Corporation of America, LabCorp
Classification: Uncertain significance. Last evaluated: 2026-02-04. Review status: criteria provided, single submitter. Criteria: LabCorp Variant Classification Summary - May 2015. Collection method: clinical testing. Allele origin: germline.
Comment: Variant summary: CFTR c.1346A>G (p.Glu449Gly) results in a non-conservative amino acid change in the encoded protein sequence. Algorithms developed to predict the effect of missense changes on protein structure and function all suggest that this variant is likely to be disruptive. The variant allele was found at a frequency of 1.6e-05 in 243800 control chromosomes. The available data on variant occurrences in the general population are insufficient to allow any conclusion about variant significance. To our knowledge, no occurrence of c.1346A>G in individuals affected with CFTR-related conditions and no experimental evidence demonstrating its impact on protein function have been reported. ClinVar contains an entry for this variant (Variation ID: 1897016). Based on the evidence outlined above, the variant was classified as uncertain significance.

Labcorp Genetics (formerly Invitae), Labcorp
Classification: Uncertain significance for Cystic fibrosis. Last evaluated: 2025-08-04. Review status: criteria provided, single submitter. Criteria: Invitae Variant Classification Sherloc (09022015). Collection method: clinical testing. Allele origin: germline.
Comment: This sequence change replaces glutamic acid, which is acidic and polar, with glycine, which is neutral and non-polar, at codon 449 of the CFTR protein (p.Glu449Gly). The frequency data for this variant in the population databases is considered unreliable, as metrics indicate poor data quality at this position in the gnomAD database. This variant has not been reported in the literature in individuals affected with CFTR-related conditions. ClinVar contains an entry for this variant (Variation ID: 1897016). Invitae Evidence Modeling of protein sequence and biophysical properties (such as structural, functional, and spatial information, amino acid conservation, physicochemical variation, residue mobility, and thermodynamic stability) indicates that this missense variant is not expected to disrupt CFTR protein function with a negative predictive value of 80%. In summary, the available evidence is currently insufficient to determine the role of this variant in disease. Therefore, it has been classified as a Variant of Uncertain Significance.

NM_000492.4(CFTR):c.1346A>G (p.Glu449Gly)

Genes: CFTR (CF transmembrane conductance regulator; plus strand), CFTR-AS1 (CFTR antisense RNA 1; minus strand). Cytogenetic location: 7q31.2.
Variant type: single nucleotide variant.
Coding change: c.1346A>G on transcript NM_000492.4 (MANE Select); coding-DNA position 1346, A replaced by G.
Protein change: p.Glu449Gly; replaces glutamic acid 449 with glycine.
Molecular consequence: missense variant.
Genome position (GRCh38, 1-based): chr7:117,548,777, A>G. VCF-style: chr7-117548777-A-G. GRCh37 (hg19) VCF-style: chr7-117188831-A-G.
Other names: short protein forms E449G.
Identifiers: ClinVar variation 1897016 (VCV001897016.4), dbSNP rs1293018753, ClinGen allele CA368982227.